The following is an entry in ClinVar:

ClinVar aggregate classification (germline): Uncertain significance (1 of 4 stars; one submission).

Conditions:
Lethal osteosclerotic bone dysplasia (RNS). Also called: Osteomalacia, sclerosing, with cerebral calcification. Identifiers: Orphanet 1832, MedGen C1850106, MONDO:0009821, OMIM 259775.

gnomAD v4.1: 3 of 1,585,744 alleles (0.00019%); highest among the groups gnomAD compares: Non-Finnish European, 0.00026%; no homozygotes.

Submission:

3billion
Classification: Uncertain significance for Lethal osteosclerotic bone dysplasia. Last evaluated: 2022-01-03. Review status: criteria provided, single submitter. Criteria: ACMG Guidelines, 2015. Collection method: clinical testing. Allele origin: germline. Affected: yes. Observed: 1 homozygote.
Comment: Same nucleotide change resulting in same amino acid change has been previously reported to be associated with FAM20C related disorder (PMID:19250384, PS1_P). It is observed at an extremely low frequency in the gnomAD v2.1.1 dataset (total allele frequency: 0.000005, PM2_M). In silico tool predictions suggest damaging effect of the variant on gene or gene product (REVEL: 0.776, 3CNET: 0.973, PP3_P). Therefore, this variant is classified as uncertain significance according to the recommendation of ACMG/AMP guideline.

Literature cited by the submitters: PubMed 19250384.

NM_020223.4(FAM20C):c.838G>A (p.Gly280Arg)

Gene: FAM20C (FAM20C golgi associated secretory pathway kinase; plus strand). Cytogenetic location: 7p22.3.
Variant type: single nucleotide variant.
Coding change: c.838G>A on transcript NM_020223.4 (MANE Select); coding-DNA position 838, G replaced by A.
Protein change: p.Gly280Arg; replaces glycine 280 with arginine.
Molecular consequence: missense variant.
Genome position (GRCh38, 1-based): chr7:208,951, G>A. VCF-style: chr7-208951-G-A. GRCh37 (hg19) VCF-style: chr7-208951-G-A.
Other names: short protein forms G280R.
Identifiers: ClinVar variation 1333203 (VCV001333203.1), dbSNP rs779708323, ClinGen allele CA152235964.
Genomic context (GRCh38, chr7:208,951, plus strand): 5'-CCTGCAGCCATGAAGTCGGGGGGCACGCAGCTGAAGCTCATCATGACCTTCCAGAATTAC[G>A]GGCAAGCGCTGTTCAAACCCATGAAGTAAGTGCCGAGGCCTGTGGGCTGGGGCGTGAGGA-3'
Protein context (NP_064608.2, residues 270-290): LKLIMTFQNY[Gly280Arg]QALFKPMKQT